The following is an entry in ClinVar:

ClinVar aggregate classification (germline): Uncertain significance. Review status: criteria provided, multiple submitters, no conflicts (2 of 4 stars). 2 submissions from 2 submitters: Uncertain significance (2). Last evaluated 2024-05-22.

Conditions:
Familial cancer of breast. Also called: BREAST CANCER, FAMILIAL; hereditary breast carcinoma; Hereditary breast cancer. Identifiers: Orphanet 227535, MedGen C0346153, MONDO:0016419, OMIM 114480. Disease mechanism: loss of function.
Fanconi anemia complementation group J. Also called: BRIP1-Related Fanconi Anemia. Identifiers: Orphanet 84, MedGen C1836860, MONDO:0012187, OMIM 609054.
Hereditary cancer-predisposing syndrome. Also called: Neoplastic Syndromes, Hereditary; Tumor predisposition; Hereditary neoplastic syndrome; Hereditary Cancer Syndrome. Identifiers: Orphanet 140162, MedGen C0027672, MeSH D009386, MONDO:0015356.

Submissions (2):

Fulgent Genetics
Classification: Uncertain significance for Familial cancer of breast; Fanconi anemia complementation group J. Last evaluated: 2024-05-22. Review status: criteria provided, single submitter. Criteria: ACMG Guidelines, 2015. Collection method: clinical testing. Allele origin: germline.

Ambry Genetics
Classification: Uncertain significance for Hereditary cancer-predisposing syndrome. Last evaluated: 2020-04-21. Review status: criteria provided, single submitter. Criteria: Ambry Variant Classification Scheme 2023. Collection method: clinical testing. Allele origin: germline.
Comment: The p.A821P variant (also known as c.2461G>C), located in coding exon 16 of the BRIP1 gene, results from a G to C substitution at nucleotide position 2461. The alanine at codon 821 is replaced by proline, an amino acid with highly similar properties. This amino acid position is highly conserved in available vertebrate species. In addition, this alteration is predicted to be deleterious by in silico analysis. Since supporting evidence is limited at this time, the clinical significance of this alteration remains unclear.

NM_032043.3(BRIP1):c.2461G>C (p.Ala821Pro)

Gene: BRIP1 (BRCA1 interacting DNA helicase 1; minus strand). Cytogenetic location: 17q23.2.
Variant type: single nucleotide variant.
Coding change: c.2461G>C on transcript NM_032043.3 (MANE Select); coding-DNA position 2461, G replaced by C.
Protein change: p.Ala821Pro; replaces alanine 821 with proline.
Molecular consequence: missense variant.
Genome position (GRCh38, 1-based): chr17:61,715,982, C>G on the plus strand (G>C on the coding strand, the complement: BRIP1 is on the minus strand). VCF-style: chr17-61715982-C-G. GRCh37 (hg19) VCF-style: chr17-59793343-C-G.
Other names: short protein forms A821P.
Identifiers: ClinVar variation 1791641 (VCV001791641.3), dbSNP rs2144380215, ClinGen allele CA400479509.